The following is an entry in ClinVar:

ClinVar aggregate classification (germline): Uncertain significance (1 of 4 stars; one submission).

Conditions:
Dyskeratosis congenita. Identifiers: Orphanet 1775, MedGen C0265965, MONDO:0015780.

Allele frequency attached by ClinVar (database versions not stated): gnomAD exomes below 0.00001; ExAC 0.00001.
gnomAD v4.1: 3 of 1,614,226 alleles (0.00019%); highest among the groups gnomAD compares: Non-Finnish European, 0.00017%; no homozygotes.

Submission:

Labcorp Genetics (formerly Invitae), Labcorp
Classification: Uncertain significance for Dyskeratosis congenita. Last evaluated: 2025-07-21. Review status: criteria provided, single submitter. Criteria: Invitae Variant Classification Sherloc (09022015). Collection method: clinical testing. Allele origin: germline.
Comment: This sequence change replaces lysine, which is basic and polar, with arginine, which is basic and polar, at codon 329 of the TINF2 protein (p.Lys329Arg). This variant is present in population databases (rs766635773, gnomAD 0.0009%). This variant has not been reported in the literature in individuals affected with TINF2-related conditions. ClinVar contains an entry for this variant (Variation ID: 2058303). An algorithm developed to predict the effect of missense changes on protein structure and function outputs the following: PolyPhen-2: "Possibly Damaging". The arginine amino acid residue is found in multiple mammalian species, which suggests that this missense change does not adversely affect protein function. In summary, the available evidence is currently insufficient to determine the role of this variant in disease. Therefore, it has been classified as a Variant of Uncertain Significance.

NM_001099274.3(TINF2):c.986A>G (p.Lys329Arg)

Gene: TINF2 (TERF1 interacting nuclear factor 2; minus strand). Cytogenetic location: 14q12.
Variant type: single nucleotide variant.
Coding change: c.986A>G on transcript NM_001099274.3 (MANE Select); coding-DNA position 986, A replaced by G.
Protein change: p.Lys329Arg; replaces lysine 329 with arginine.
Molecular consequence: missense variant.
Genome position (GRCh38, 1-based): chr14:24,240,494, T>C on the plus strand (A>G on the coding strand, the complement: TINF2 is on the minus strand). VCF-style: chr14-24240494-T-C. GRCh37 (hg19) VCF-style: chr14-24709700-T-C.
Other names: c.881A>G, p.Lys294Arg (NM_001363668.2); c.986A>G, p.Lys329Arg (NM_012461.3); short protein forms K294R, K329R.
Identifiers: ClinVar variation 2058303 (VCV002058303.4), dbSNP rs766635773, ClinGen allele CA7130538.